The following is an entry in ClinVar:

NM_012254.3(SLC27A5):c.1127dup (p.Thr377fs)

Gene: SLC27A5 (solute carrier family 27 member 5; minus strand). Cytogenetic location: 19q13.43.
Variant type: Duplication.
Coding change: c.1127dup on transcript NM_012254.3 (MANE Select); coding-DNA position 1127, one base duplicated (T; older notation c.1127dupT).
Protein change: p.Thr377fs; shifts the reading frame from threonine 377.
Molecular consequence: frameshift variant.
Genome position (GRCh38, 1-based): chr19:58,501,341, A duplicated on the plus strand (T on the coding strand, the reverse complement: SLC27A5 is on the minus strand). VCF-style (leftmost placement, unchanged base first): chr19-58501340-C-CA. GRCh37 (hg19) VCF-style: chr19-59012707-C-CA.
Other names: c.875dup, p.Thr293fs (NM_001321196.2); short protein forms T377fs, T293fs.
Identifiers: ClinVar variation 4993916 (VCV004993916.1).

ClinVar aggregate classification (germline): Uncertain significance (1 of 4 stars; one submission).

Conditions:
SLC27A5-related disorder. Also called: SLC27A5-related condition.

Submission:

PreventionGenetics, part of Exact Sciences
Classification: Uncertain significance for SLC27A5-related condition. Last evaluated: 2026-09-17. Review status: criteria provided, single submitter. Criteria: ACMG Guidelines, 2015. Collection method: clinical testing. Allele origin: germline.
Comment: The SLC27A5 c.1127dupT variant is predicted to result in a frameshift and premature protein termination (p.Thr377Aspfs*15). To our knowledge, this variant has not been reported in the literature or in a large population database (gnomAD), indicating this variant is rare. Loss-of-function has not been established as a mechanism of disease for SLC27A5-related disorders. At this time, the clinical significance of this variant is uncertain due to the absence of conclusive functional and genetic evidence.